The following is an entry in ClinVar:

NM_000059.4(BRCA2):c.1372C>T (p.Pro458Ser)

Gene: BRCA2 (BRCA2 DNA repair associated; plus strand). Cytogenetic location: 13q13.1.
Variant type: single nucleotide variant.
Coding change: c.1372C>T on transcript NM_000059.4 (MANE Select); coding-DNA position 1372, C replaced by T.
Protein change: p.Pro458Ser; replaces proline 458 with serine.
Molecular consequence: missense variant.
Genome position (GRCh38, 1-based): chr13:32,332,850, C>T. VCF-style: chr13-32332850-C-T. GRCh37 (hg19) VCF-style: chr13-32906987-C-T.
Other names: c.1372C>T, p.Pro458Ser (NM_001406719.1, NM_001406720.1, NM_001406721.1); short protein forms P458S.
Identifiers: ClinVar variation 1771073 (VCV001771073.6), dbSNP rs1415796889, ClinGen allele CA387762933.

ClinVar aggregate classification (germline): Conflicting classifications of pathogenicity. Review status: criteria provided, conflicting classifications (1 of 4 stars). 3 submissions from 3 submitters: Uncertain significance (2); Likely benign (1). Last evaluated 2025-09-14.

Conditions:
Hereditary cancer-predisposing syndrome. Also called: Hereditary Cancer Syndrome; Hereditary neoplastic syndrome; Neoplastic Syndromes, Hereditary; Tumor predisposition. Identifiers: Orphanet 140162, MedGen C0027672, MeSH D009386, MONDO:0015356.
Hereditary breast ovarian cancer syndrome. Also called: Hereditary breast and ovarian cancer syndrome (HBOC); Breast and ovarian cancer; Hereditary breast and ovarian cancer syndrome; Hereditary breast and/or ovarian cancer syndrome; BRCA1- and BRCA2-Associated Hereditary Breast and Ovarian Cancer; Hereditary breast and ovarian cancer. Identifiers: Orphanet 145, MedGen C0677776, MeSH D061325, MONDO:0003582. Disease mechanism: loss of function.

Allele frequency attached by ClinVar (database versions not stated): gnomAD 0.00001.
gnomAD v4.1: 1 of 1,611,498 alleles (0.000062%); highest among the groups gnomAD compares: African/African-American, 0.0013%; no homozygotes.

Submissions (3):

Labcorp Genetics (formerly Invitae), Labcorp
Classification: Uncertain significance for Hereditary breast ovarian cancer syndrome. Last evaluated: 2025-09-14. Review status: criteria provided, single submitter. Criteria: Invitae Variant Classification Sherloc (09022015). Collection method: clinical testing. Allele origin: germline.
Comment: This sequence change replaces proline, which is neutral and non-polar, with serine, which is neutral and polar, at codon 458 of the BRCA2 protein (p.Pro458Ser). This variant is present in population databases (no rsID available, gnomAD 0.01%). This variant has not been reported in the literature in individuals affected with BRCA2-related conditions. ClinVar contains an entry for this variant (Variation ID: 1771073). Invitae Evidence Modeling of protein sequence and biophysical properties (such as structural, functional, and spatial information, amino acid conservation, physicochemical variation, residue mobility, and thermodynamic stability) indicates that this missense variant is not expected to disrupt BRCA2 protein function with a negative predictive value of 95%. In summary, the available evidence is currently insufficient to determine the role of this variant in disease. Therefore, it has been classified as a Variant of Uncertain Significance.

University of Washington Department of Laboratory Medicine, University of Washington
Classification: Likely benign for Hereditary cancer-predisposing syndrome. Last evaluated: 2023-03-23. Review status: criteria provided, single submitter. Criteria: Dines et al. (Genet Med. 2020). Collection method: curation. Allele origin: germline.
Comment: Missense variant in a coldspot region where missense variants are very unlikely to be pathogenic (PMID:31911673).

BRCA2 exon 10 coldspot. Reclassification based on statistical prior probability.

Ambry Genetics
Classification: Uncertain significance for Hereditary cancer-predisposing syndrome. Last evaluated: 2021-05-14. Review status: criteria provided, single submitter. Criteria: Ambry Variant Classification Scheme 2023. Collection method: clinical testing. Allele origin: germline.
Comment: The p.P458S variant (also known as c.1372C>T), located in coding exon 9 of the BRCA2 gene, results from a C to T substitution at nucleotide position 1372. The proline at codon 458 is replaced by serine, an amino acid with similar properties. This amino acid position is poorly conserved in available vertebrate species. In addition, this alteration is predicted to be tolerated by in silico analysis. Since supporting evidence is limited at this time, the clinical significance of this alteration remains unclear.